The following is an entry in ClinVar:

ClinVar aggregate classification (germline): Uncertain significance (1 of 4 stars; one submission).

Conditions:
Diamond-Blackfan anemia. Also called: Blackfan Diamond syndrome; Aregenerative anemia chronic congenital; Red cell aplasia, pure hereditary; Congenital hypoplastic anemia; Aase syndrome. Identifiers: Orphanet 124, MedGen C1260899, MeSH D029503, MONDO:0015253, HP:0004810.

Allele frequency attached by ClinVar (database versions not stated): gnomAD exomes below 0.00001.
gnomAD v4.1: 3 of 1,613,574 alleles (0.00019%); highest among the groups gnomAD compares: Admixed American, 0.005%; no homozygotes.

Submission:

Labcorp Genetics (formerly Invitae), Labcorp
Classification: Uncertain significance for Diamond-Blackfan anemia. Last evaluated: 2021-04-23. Review status: criteria provided, single submitter. Criteria: Invitae Variant Classification Sherloc (09022015). Collection method: clinical testing. Allele origin: germline.
Comment: In summary, the available evidence is currently insufficient to determine the role of this variant in disease. Therefore, it has been classified as a Variant of Uncertain Significance. Algorithms developed to predict the effect of missense changes on protein structure and function are either unavailable or do not agree on the potential impact of this missense change (SIFT: "Deleterious"; PolyPhen-2: "Benign"; Align-GVGD: "Class C25"). This variant has not been reported in the literature in individuals with RPL26-related conditions. This variant is not present in population databases (ExAC no frequency). This sequence change replaces isoleucine with valine at codon 49 of the RPL26 protein (p.Ile49Val). The isoleucine residue is highly conserved and there is a small physicochemical difference between isoleucine and valine.

NM_000987.5(RPL26):c.145A>G (p.Ile49Val)

Gene: RPL26 (ribosomal protein L26; minus strand). Cytogenetic location: 17p13.1.
Variant type: single nucleotide variant.
Coding change: c.145A>G on transcript NM_000987.5 (MANE Select); coding-DNA position 145, A replaced by G.
Protein change: p.Ile49Val; replaces isoleucine 49 with valine.
Molecular consequence: missense variant.
Genome position (GRCh38, 1-based): chr17:8,382,166, T>C on the plus strand (A>G on the coding strand, the complement: RPL26 is on the minus strand). VCF-style: chr17-8382166-T-C. GRCh37 (hg19) VCF-style: chr17-8285484-T-C.
Other names: c.145A>G, p.Ile49Val (NM_001315530.2, NM_001315531.2); short protein forms I49V.
Identifiers: ClinVar variation 1431925 (VCV001431925.8), dbSNP rs1193599772, ClinGen allele CA398016973.